The following is an entry in ClinVar:

NM_005633.4(SOS1):c.1270G>A (p.Glu424Lys)

Gene: SOS1 (SOS Ras/Rac guanine nucleotide exchange factor 1; minus strand). Cytogenetic location: 2p22.1.
Variant type: single nucleotide variant.
Coding change: c.1270G>A on transcript NM_005633.4 (MANE Select); coding-DNA position 1270, G replaced by A.
Protein change: p.Glu424Lys; replaces glutamic acid 424 with lysine.
Molecular consequence: missense variant.
Genome position (GRCh38, 1-based): chr2:39,023,158, C>T on the plus strand (G>A on the coding strand, the complement: SOS1 is on the minus strand). VCF-style: chr2-39023158-C-T. GRCh37 (hg19) VCF-style: chr2-39250299-C-T.
Other names: p.E424K:GAG>AAG; c.1249G>A, p.Glu417Lys (NM_001382394.1); c.1270G>A, p.Glu424Lys (NM_001382395.1); short protein forms E424K, E417K.
Identifiers: ClinVar variation 181549 (VCV000181549.9), dbSNP rs730881041, ClinGen allele CA297259.

ClinVar aggregate classification (germline): Conflicting classifications of pathogenicity. Review status: criteria provided, conflicting classifications (1 of 4 stars). 2 submissions from 2 submitters: Likely pathogenic (1); Uncertain significance (1). Last evaluated 2026-01-06.

Conditions:
Noonan syndrome 4 (NS4). Also called: NOONAN SYNDROME WITH PIGMENTED VILLONODULAR SYNOVITIS; SOS1-Related Noonan Syndrome. Identifiers: Orphanet 648, MedGen C1853120, MONDO:0012547, OMIM 610733.
Fibromatosis, gingival, 1 (GINGF1). Identifiers: Orphanet 2024, MedGen C4551558, MONDO:0007609, OMIM 135300.

Allele frequency attached by ClinVar (database versions not stated): gnomAD exomes below 0.00001; TOPMed below 0.00001; ExAC 0.00001.
gnomAD v4.1: 6 of 1,613,052 alleles (0.00037%); highest among the groups gnomAD compares: Non-Finnish European, 0.00051%; no homozygotes.

Submissions (2):

GeneDx
Classification: Likely pathogenic. Last evaluated: 2026-01-06. Review status: criteria provided, single submitter. Criteria: GeneDx Variant Classification Process June 2021. Collection method: clinical testing. Allele origin: germline. Affected: yes.
Comment: Has been published previously in a patient with clinical features of a SOS1-related disorder; however, specific detailed clinical information was reported (PMID: 21387466); Missense variants in this gene are a common cause of disease and they are underrepresented in the general population; In silico analysis supports that this missense variant has a deleterious effect on protein structure/function; This variant is associated with the following publications: (PMID: 24803665, 12628188, 17143282, 20648242, 21387466, 29493581)

Juno Genomics, Hangzhou Juno Genomics, Inc
Classification: Uncertain significance for Fibromatosis, gingival, 1; Noonan syndrome 4. Review status: criteria provided, single submitter. Criteria: ACMG Guidelines, 2015. Collection method: clinical testing. Allele origin: germline.
Comment: Multiple lines of computational evidence support a deleterious effect on the gene or gene product.;The prevalence of the variant in affected individuals is significantly increased compared to the prevalence in controls.;Located in a mutational hot spot and/or critical and well-established functional domain without benign variation.